The following is an entry in ClinVar:

NM_138694.4(PKHD1):c.2799_2809del (p.His934fs)

Gene: PKHD1 (PKHD1 ciliary IPT domain containing fibrocystin/polyductin; minus strand). Cytogenetic location: 6p12.2.
Variant type: Deletion.
Coding change: c.2799_2809del on transcript NM_138694.4 (MANE Select); coding-DNA positions 2799 to 2809, 11 bases deleted (CCATTCTGTGT).
Protein change: p.His934fs; shifts the reading frame from histidine 934.
Molecular consequence: frameshift variant.
Genome position (GRCh38, 1-based): chr6:52,043,637-52,043,647, ACACAGAATGG deleted on the plus strand (CCATTCTGTGT on the coding strand, the reverse complement: PKHD1 is on the minus strand); deleting any 11 consecutive bases within chr6:52,043,637-52,043,653 gives the same sequence; the c. name uses the placement nearest the transcript's 3' end. VCF-style (leftmost placement, unchanged base first): chr6-52043636-CACACAGAATGG-C. GRCh37 (hg19) VCF-style: chr6-51908434-CACACAGAATGG-C.
Other names: c.2799_2809del, p.His934fs (NM_170724.3); c.2799_2809delCCATTCTGTGT (NM_138694.3); short protein forms H934fs.
Identifiers: ClinVar variation 2677794 (VCV002677794.3), dbSNP rs2533064576, ClinGen allele CA2679083097.
Genomic context (GRCh38, chr6:52,043,636, plus strand): 5'-TGCAAGTCTCCGGCTTAAGCCCATCTCAGAGCCAAGTGACAAATCATACCAATGGAGTAC[CACACAGAATGG>C]ACACAGGGAGTTGACCCTTGGAGGTACTGGAAAGAGCAGGAACCTGGGCAATGAGCTGGT-3'

ClinVar aggregate classification (germline): Pathogenic/Likely pathogenic. Review status: criteria provided, multiple submitters, no conflicts (2 of 4 stars). 3 submissions from 3 submitters: Pathogenic (1); Likely pathogenic (2). Last evaluated 2024-12-27.

Conditions:
Polycystic kidney disease 4 (PKD4). Also called: POLYCYSTIC KIDNEY AND HEPATIC DISEASE 1; POLYCYSTIC KIDNEY DISEASE, INFANTILE, TYPE I; PKD3; POLYCYSTIC KIDNEY DISEASE 4 WITH OR WITHOUT POLYCYSTIC LIVER DISEASE; Autosomal Recessive Polycystic Kidney Disease – PKHD1. Identifiers: MedGen C4540575, MONDO:0033004, OMIM 263200.
Autosomal recessive polycystic kidney disease (ARPKD). Also called: AR polycystic kidney disease. Identifiers: Orphanet 731, Orphanet 8378, MedGen C0085548, MeSH D017044, MONDO:0009889.

Submissions (3):

Natera, Inc.
Classification: Likely pathogenic for Autosomal recessive polycystic kidney disease. Last evaluated: 2024-12-27. Review status: criteria provided, single submitter. Criteria: Natera Variant Classification Schema (03/2026). Collection method: clinical testing. Allele origin: germline.
Comment: The c.2799_2809delCCATTCTGTGT variant in PKHD1 is a frameshift variant predicted to shift the reading frame beginning at codon 934 and leads to a stop codon 4 codons downstream. This variant is expected to result in nonsense mediated decay, truncation, or a dysfunctional protein product. This variant is rare in the general population with a frequency below the threshold expected for the associated phenotype(s). Given the available evidence, this variant is classified as Likely Pathogenic.

Myriad Genetics, Inc.
Classification: Pathogenic for Polycystic kidney disease 4. Last evaluated: 2023-10-29. Review status: criteria provided, single submitter. Criteria: Myriad Autosomal Dominant, Autosomal Recessive and X-Linked Classification Criteria (2023). Collection method: clinical testing. Allele origin: unknown.
Comment: NM_138694.3(PKHD1):c.2799_2809del11(H934Vfs*4) is expected to be pathogenic in the context of autosomal recessive polycystic kidney disease, PKHD1-related. This variant is predicted to lead to an abnormal or absent protein product due to the creation of a premature termination codon in PKHD1, a gene where loss-of-function variants are known to be pathogenic. Please note: this variant was assessed in the context of healthy population screening.

Baylor Genetics
Classification: Likely pathogenic for Polycystic kidney disease 4. Last evaluated: 2023-08-02. Review status: criteria provided, single submitter. Criteria: ACMG Guidelines, 2015. Collection method: clinical testing. Allele origin: unknown.